The following is an entry in ClinVar:

NM_001377.3(DYNC2H1):c.9139A>G (p.Ile3047Val)

Gene: DYNC2H1 (dynein cytoplasmic 2 heavy chain 1; plus strand). Cytogenetic location: 11q22.3.
Variant type: single nucleotide variant.
Coding change: c.9139A>G on transcript NM_001377.3 (MANE Select); coding-DNA position 9139, A replaced by G.
Protein change: p.Ile3047Val; replaces isoleucine 3047 with valine.
Molecular consequence: missense variant.
Genome position (GRCh38, 1-based): chr11:103,222,061, A>G. VCF-style: chr11-103222061-A-G. GRCh37 (hg19) VCF-style: chr11-103092790-A-G.
Other names: c.9139A>G, p.Ile3047Val (NM_001080463.2); short protein forms I3047V.
Identifiers: ClinVar variation 1523539 (VCV001523539.6), dbSNP rs2135153656, ClinGen allele CA382264189.

ClinVar aggregate classification (germline): Uncertain significance (1 of 4 stars; one submission).

Conditions:
Jeune thoracic dystrophy. Also called: Jeune syndrome; Infantile thoracic dystrophy; Thoracic pelvic phalangeal dystrophy; Jeune's syndrome; Chondroectodermal dysplasia-like syndrome; Short-rib thoracic dysplasia. Identifiers: Orphanet 474, MedGen C0265275, MONDO:0018770.

Allele frequency attached by ClinVar (database versions not stated): gnomAD exomes below 0.00001.
gnomAD v4.1: 1 of 1,612,244 alleles (0.000062%); highest among the groups gnomAD compares: Non-Finnish European, 0.000085%; no homozygotes.

Submission:

Labcorp Genetics (formerly Invitae), Labcorp
Classification: Uncertain significance for Jeune thoracic dystrophy. Last evaluated: 2022-11-08. Review status: criteria provided, single submitter. Criteria: Invitae Variant Classification Sherloc (09022015). Collection method: clinical testing. Allele origin: germline.
Comment: In summary, the available evidence is currently insufficient to determine the role of this variant in disease. Therefore, it has been classified as a Variant of Uncertain Significance. Advanced modeling of protein sequence and biophysical properties (such as structural, functional, and spatial information, amino acid conservation, physicochemical variation, residue mobility, and thermodynamic stability) performed at Invitae indicates that this missense variant is not expected to disrupt DYNC2H1 protein function. ClinVar contains an entry for this variant (Variation ID: 1523539). This variant has not been reported in the literature in individuals affected with DYNC2H1-related conditions. This variant is not present in population databases (gnomAD no frequency). This sequence change replaces isoleucine, which is neutral and non-polar, with valine, which is neutral and non-polar, at codon 3047 of the DYNC2H1 protein (p.Ile3047Val).